The following is an entry in ClinVar:

NM_001194998.2(CEP152):c.1368A>G (p.Ala456=)

Gene: CEP152 (centrosomal protein 152; minus strand). Cytogenetic location: 15q21.1.
Variant type: single nucleotide variant.
Coding change: c.1368A>G on transcript NM_001194998.2 (MANE Select); coding-DNA position 1368, A replaced by G.
Protein change: p.Ala456=; no amino-acid change (alanine 456 retained).
Molecular consequence: synonymous variant.
Genome position (GRCh38, 1-based): chr15:48,782,184, T>C on the plus strand (A>G on the coding strand, the complement: CEP152 is on the minus strand). VCF-style: chr15-48782184-T-C. GRCh37 (hg19) VCF-style: chr15-49074381-T-C.
Other names: c.1368A>G, p.Ala456= (NM_014985.4).
Identifiers: ClinVar variation 3354749 (VCV003354749.1).

ClinVar aggregate classification (germline): Likely benign (0 of 4 stars; one submission).

Conditions:
CEP152-related disorder. Also called: CEP152-related condition; CEP152-related disorders. Identifiers: MedGen CN239248.

gnomAD v4.1: 3 of 1,613,870 alleles (0.00019%); highest among the groups gnomAD compares: Non-Finnish European, 0.00025%; no homozygotes.

Submission:

PreventionGenetics, part of Exact Sciences
Classification: Likely benign for CEP152-related condition. Last evaluated: 2019-10-28. Review status: no assertion criteria provided. Collection method: clinical testing. Allele origin: germline.
Comment: This variant is classified as likely benign based on ACMG/AMP sequence variant interpretation guidelines (Richards et al. 2015 PMID: 25741868, with internal and published modifications).